The following is an entry in ClinVar:

ClinVar aggregate classification (germline): Uncertain significance (1 of 4 stars; one submission).

Conditions:
Brugada syndrome 4 (BRGDA4). Identifiers: Orphanet 130, MedGen C2678477, MONDO:0012743, OMIM 611876.

gnomAD v4.1: 8 of 1,614,122 alleles (0.0005%); highest among the groups gnomAD compares: South Asian, 0.0088%; no homozygotes.

Submission:

Labcorp Genetics (formerly Invitae), Labcorp
Classification: Uncertain significance for Brugada syndrome 4. Last evaluated: 2025-10-01. Review status: criteria provided, single submitter. Criteria: Invitae Variant Classification Sherloc (09022015). Collection method: clinical testing. Allele origin: germline.
Comment: This sequence change replaces threonine, which is neutral and polar, with serine, which is neutral and polar, at codon 58 of the CACNB2 protein (p.Thr58Ser). This variant is not present in population databases (gnomAD no frequency). This variant has not been reported in the literature in individuals affected with CACNB2-related conditions. An algorithm developed to predict the effect of missense changes on protein structure and function (PolyPhen-2) suggests that this variant is likely to be tolerated. In summary, the available evidence is currently insufficient to determine the role of this variant in disease. Therefore, it has been classified as a Variant of Uncertain Significance.

NM_201596.3(CACNB2):c.334A>T (p.Thr112Ser)

Gene: CACNB2 (calcium voltage-gated channel auxiliary subunit beta 2; plus strand). Cytogenetic location: 10p12.31.
Variant type: single nucleotide variant.
Coding change: c.334A>T on transcript NM_201596.3 (MANE Select); coding-DNA position 334, A replaced by T.
Protein change: p.Thr112Ser; replaces threonine 112 with serine.
Molecular consequence: missense variant.
Genome position (GRCh38, 1-based): chr10:18,498,355, A>T. VCF-style: chr10-18498355-A-T. GRCh37 (hg19) VCF-style: chr10-18787284-A-T.
Other names: c.169A>T, p.Thr57Ser (NM_000724.4, NM_001330060.2); c.250A>T, p.Thr84Ser (NM_001167945.2, NM_201571.4, NM_201572.4); c.190A>T, p.Thr64Ser (NM_001410882.1, NM_201570.3); c.172A>T, p.Thr58Ser (NM_201590.3); c.334A>T, p.Thr112Ser (NM_201593.3, NM_201597.3); short protein forms T57S, T64S, T84S, T58S, T112S.
Identifiers: ClinVar variation 4696228 (VCV004696228.1).